The following is an entry in ClinVar:

ClinVar aggregate classification (germline): Uncertain significance (1 of 4 stars; one submission).

Submission:

Labcorp Genetics (formerly Invitae), Labcorp
Classification: Uncertain significance. Last evaluated: 2026-01-27. Review status: criteria provided, single submitter. Criteria: Invitae Variant Classification Sherloc (09022015). Collection method: clinical testing. Allele origin: germline.
Comment: This sequence change replaces arginine, which is basic and polar, with serine, which is neutral and polar, at codon 398 of the LTBP4 protein (p.Arg398Ser). This variant is not present in population databases (gnomAD no frequency). This variant has not been reported in the literature in individuals affected with LTBP4-related conditions. Experimental studies and prediction algorithms are not available or were not evaluated, and the functional significance of this variant is currently unknown. In summary, the available evidence is currently insufficient to determine the role of this variant in disease. Therefore, it has been classified as a Variant of Uncertain Significance.

NM_001042545.2(LTBP4):c.1102C>A (p.Arg368Ser)

Gene: LTBP4 (latent transforming growth factor beta binding protein 4; plus strand). Cytogenetic location: 19q13.2.
Variant type: single nucleotide variant.
Coding change: c.1102C>A on transcript NM_001042545.2 (MANE Select); coding-DNA position 1102, C replaced by A.
Protein change: p.Arg368Ser; replaces arginine 368 with serine.
Molecular consequence: missense variant.
Genome position (GRCh38, 1-based): chr19:40,607,475, C>A. VCF-style: chr19-40607475-C-A. GRCh37 (hg19) VCF-style: chr19-41113381-C-A.
Other names: c.1303C>A, p.Arg435Ser (NM_001042544.1); c.1192C>A, p.Arg398Ser (NM_003573.2); short protein forms R368S, R398S, R435S.
Identifiers: ClinVar variation 4803968 (VCV004803968.1).